The following is an entry in ClinVar:

NM_001042492.3(NF1):c.6386T>C (p.Ile2129Thr)

Gene: NF1 (neurofibromin 1; plus strand). Cytogenetic location: 17q11.2.
Variant type: single nucleotide variant.
Coding change: c.6386T>C on transcript NM_001042492.3 (MANE Select); coding-DNA position 6386, T replaced by C.
Protein change: p.Ile2129Thr; replaces isoleucine 2129 with threonine.
Molecular consequence: missense variant.
Genome position (GRCh38, 1-based): chr17:31,336,873, T>C. VCF-style: chr17-31336873-T-C. GRCh37 (hg19) VCF-style: chr17-29663891-T-C.
Other names: c.6323T>C, p.Ile2108Thr (NM_000267.4); short protein forms I2108T, I2129T.
Identifiers: ClinVar variation 1447066 (VCV001447066.10), dbSNP rs1287981187, ClinGen allele CA399012878.

ClinVar aggregate classification (germline): Uncertain significance. Review status: criteria provided, multiple submitters, no conflicts (2 of 4 stars). 2 submissions from 2 submitters: Uncertain significance (2). Last evaluated 2025-11-24.

Conditions:
Hereditary cancer-predisposing syndrome. Also called: Tumor predisposition; Hereditary neoplastic syndrome; Hereditary Cancer Syndrome; Neoplastic Syndromes, Hereditary. Identifiers: Orphanet 140162, MedGen C0027672, MeSH D009386, MONDO:0015356.
Cardiovascular phenotype. Identifiers: MedGen CN230736.
Neurofibromatosis, type 1 (NF1). Also called: NEUROFIBROMATOSIS, TYPE I, SOMATIC; VON RECKLINGHAUSEN DISEASE; Peripheral type neurofibromatosis; Neurofibromatosis, type I. Identifiers: Orphanet 636, MedGen C0027831, MONDO:0018975, OMIM 162200. Disease mechanism: loss of function.

Allele frequency attached by ClinVar (database versions not stated): TOPMed below 0.00001.

Submissions (2):

Labcorp Genetics (formerly Invitae), Labcorp
Classification: Uncertain significance for Neurofibromatosis, type 1. Last evaluated: 2025-11-24. Review status: criteria provided, single submitter. Criteria: Invitae Variant Classification Sherloc (09022015). Collection method: clinical testing. Allele origin: germline.
Comment: This sequence change replaces isoleucine, which is neutral and non-polar, with threonine, which is neutral and polar, at codon 2108 of the NF1 protein (p.Ile2108Thr). This variant is not present in population databases (gnomAD no frequency). This variant has not been reported in the literature in individuals affected with NF1-related conditions. ClinVar contains an entry for this variant (Variation ID: 1447066). Invitae Evidence Modeling of protein sequence and biophysical properties (such as structural, functional, and spatial information, amino acid conservation, physicochemical variation, residue mobility, and thermodynamic stability) indicates that this missense variant is expected to disrupt NF1 protein function with a positive predictive value of 80%. In summary, the available evidence is currently insufficient to determine the role of this variant in disease. Therefore, it has been classified as a Variant of Uncertain Significance.

Ambry Genetics
Classification: Uncertain significance for Cardiovascular phenotype; Hereditary cancer-predisposing syndrome. Last evaluated: 2025-05-15. Review status: criteria provided, single submitter. Criteria: Ambry Variant Classification Scheme 2023. Collection method: clinical testing. Allele origin: germline.
Comment: The p.I2108T variant (also known as c.6323T>C), located in coding exon 41 of the NF1 gene, results from a T to C substitution at nucleotide position 6323. The isoleucine at codon 2108 is replaced by threonine, an amino acid with similar properties. This amino acid position is conserved. In addition, this alteration is predicted to be deleterious by in silico analysis. Based on the available evidence, the clinical significance of this variant remains unclear.